The following is an entry in ClinVar:

ClinVar aggregate classification (germline): Likely benign (1 of 4 stars; one submission).

gnomAD v4.1: 16 of 1,611,896 alleles (0.00099%); highest among the groups gnomAD compares: East Asian, 0.036%; no homozygotes.

Submission:

CeGaT Center for Human Genetics Tuebingen
Classification: Likely benign. Last evaluated: 2026-04-01. Review status: criteria provided, single submitter. Criteria: CeGaT Center For Human Genetics Tuebingen Variant Classification Criteria Version 2. Collection method: clinical testing. Allele origin: germline. Affected: yes. Observed: 1 variant allele.
Comment: ATP9A: BP4, BP7

NM_006045.3(ATP9A):c.348T>G (p.Thr116=)

Gene: ATP9A (ATPase phospholipid transporting 9A; minus strand). Cytogenetic location: 20q13.2.
Variant type: single nucleotide variant.
Coding change: c.348T>G on transcript NM_006045.3 (MANE Select); coding-DNA position 348, T replaced by G.
Protein change: p.Thr116=; no amino-acid change (threonine 116 retained).
Molecular consequence: synonymous variant.
Genome position (GRCh38, 1-based): chr20:51,713,054, A>C on the plus strand (T>G on the coding strand, the complement: ATP9A is on the minus strand). VCF-style: chr20-51713054-A-C. GRCh37 (hg19) VCF-style: chr20-50329593-A-C.
Identifiers: ClinVar variation 4874819 (VCV004874819.2).